The following is an entry in ClinVar:

ClinVar aggregate classification (germline): Uncertain significance (1 of 4 stars; one submission).

gnomAD v4.1: 10 of 1,613,168 alleles (0.00062%); highest among the groups gnomAD compares: Non-Finnish European, 0.000085%; no homozygotes.

Submission:

Labcorp Genetics (formerly Invitae), Labcorp
Classification: Uncertain significance. Last evaluated: 2025-09-29. Review status: criteria provided, single submitter. Criteria: Invitae Variant Classification Sherloc (09022015). Collection method: clinical testing. Allele origin: germline.
Comment: This sequence change replaces isoleucine, which is neutral and non-polar, with valine, which is neutral and non-polar, at codon 293 of the DVL3 protein (p.Ile293Val). This variant is present in population databases (rs201275800, gnomAD 0.004%). This variant has not been reported in the literature in individuals affected with DVL3-related conditions. Invitae Evidence Modeling of protein sequence and biophysical properties (such as structural, functional, and spatial information, amino acid conservation, physicochemical variation, residue mobility, and thermodynamic stability) indicates that this missense variant is not expected to disrupt DVL3 protein function with a negative predictive value of 80%. In summary, the available evidence is currently insufficient to determine the role of this variant in disease. Therefore, it has been classified as a Variant of Uncertain Significance.

NM_004423.4(DVL3):c.877A>G (p.Ile293Val)

Gene: DVL3 (dishevelled segment polarity protein 3; plus strand). Cytogenetic location: 3q27.1.
Variant type: single nucleotide variant.
Coding change: c.877A>G on transcript NM_004423.4 (MANE Select); coding-DNA position 877, A replaced by G.
Protein change: p.Ile293Val; replaces isoleucine 293 with valine.
Molecular consequence: missense variant.
Genome position (GRCh38, 1-based): chr3:184,166,239, A>G. VCF-style: chr3-184166239-A-G. GRCh37 (hg19) VCF-style: chr3-183884027-A-G.
Other names: short protein forms I293V.
Identifiers: ClinVar variation 4767393 (VCV004767393.1).